The following is an entry in ClinVar:

NM_015450.3(POT1):c.211A>G (p.Ile71Val)

Gene: POT1 (protection of telomeres 1; minus strand). Cytogenetic location: 7q31.33.
Variant type: single nucleotide variant.
Coding change: c.211A>G on transcript NM_015450.3 (MANE Select); coding-DNA position 211, A replaced by G.
Protein change: p.Ile71Val; replaces isoleucine 71 with valine.
Molecular consequence: missense variant. On other transcripts: non-coding transcript variant (3), intron variant (1).
Genome position (GRCh38, 1-based): chr7:124,870,955, T>C on the plus strand (A>G on the coding strand, the complement: POT1 is on the minus strand). VCF-style: chr7-124870955-T-C. GRCh37 (hg19) VCF-style: chr7-124511009-T-C.
Other names: c.-138-7315A>G (NM_001042594.2); short protein forms I71V.
Identifiers: ClinVar variation 475071 (VCV000475071.15), dbSNP rs776844142, ClinGen allele CA4465487.

ClinVar aggregate classification (germline): Conflicting classifications of pathogenicity. Review status: criteria provided, conflicting classifications (1 of 4 stars). 3 submissions from 3 submitters: Uncertain significance (2); Likely benign (1). Last evaluated 2026-02-13.

Conditions:
Tumor predisposition syndrome 3 (TPDS3). Also called: Glioma susceptibility 9; LONG TELOMERE SYNDROME, POT1-RELATED; POT1 Tumor Predisposition; Melanoma, cutaneous malignant, susceptibility to, 10. Identifiers: Orphanet 618, MedGen C4014476, MONDO:0014368, OMIM 615848.
Hereditary cancer-predisposing syndrome. Also called: Hereditary neoplastic syndrome; Hereditary Cancer Syndrome; Neoplastic Syndromes, Hereditary; Tumor predisposition. Identifiers: Orphanet 140162, MedGen C0027672, MeSH D009386, MONDO:0015356.

Allele frequency attached by ClinVar (database versions not stated): ExAC 0.00001; gnomAD 0.00001; gnomAD exomes 0.00001 and 0.00003; TOPMed 0.00001.
gnomAD v4.1: 48 of 1,609,822 alleles (0.003%); highest among the groups gnomAD compares: Non-Finnish European, 0.0041%; no homozygotes.

Submissions (3):

OLLIN Analises Genomicas, OLLIN
Classification: Uncertain significance for Tumor predisposition syndrome 3. Last evaluated: 2026-02-13. Review status: criteria provided, single submitter. Criteria: ACMG Guidelines 2015 PMID 25741868. Collection method: clinical testing. Allele origin: germline. Observed: 1 variant allele.
Comment: PM2_P, BP4_M

Labcorp Genetics (formerly Invitae), Labcorp
Classification: Uncertain significance for Tumor predisposition syndrome 3. Last evaluated: 2025-12-17. Review status: criteria provided, single submitter. Criteria: Invitae Variant Classification Sherloc (09022015). Collection method: clinical testing. Allele origin: germline.
Comment: This sequence change replaces isoleucine, which is neutral and non-polar, with valine, which is neutral and non-polar, at codon 71 of the POT1 protein (p.Ile71Val). This variant is present in population databases (rs776844142, gnomAD 0.002%). This variant has not been reported in the literature in individuals affected with POT1-related conditions. ClinVar contains an entry for this variant (Variation ID: 475071). Invitae Evidence Modeling of protein sequence and biophysical properties (such as structural, functional, and spatial information, amino acid conservation, physicochemical variation, residue mobility, and thermodynamic stability) indicates that this missense variant is not expected to disrupt POT1 protein function with a negative predictive value of 80%. In summary, the available evidence is currently insufficient to determine the role of this variant in disease. Therefore, it has been classified as a Variant of Uncertain Significance.

Ambry Genetics
Classification: Likely benign for Hereditary cancer-predisposing syndrome. Last evaluated: 2025-01-13. Review status: criteria provided, single submitter. Criteria: Ambry Variant Classification Scheme 2023. Collection method: clinical testing. Allele origin: germline.